The following is an entry in ClinVar:

ClinVar aggregate classification (germline): Uncertain significance (1 of 4 stars; one submission).

Conditions:
RP1-related disorder. Also called: RP1-related condition.

gnomAD v4.1: 3 of 1,613,952 alleles (0.00019%); highest among the groups gnomAD compares: African/African-American, 0.0027%; no homozygotes.

Submission:

PreventionGenetics, part of Exact Sciences
Classification: Uncertain significance for RP1-related condition. Last evaluated: 2025-12-28. Review status: criteria provided, single submitter. Criteria: ACMG Guidelines, 2015. Collection method: clinical testing. Allele origin: germline.
Comment: The RP1 c.1675G>C variant is predicted to result in the amino acid substitution p.Glu559Gln. To our knowledge, this variant has not been reported in the literature or in a large population database (gnomAD), indicating this variant is rare. At this time, the clinical significance of this variant is uncertain due to the absence of conclusive functional and genetic evidence.

NM_006269.2(RP1):c.1675G>C (p.Glu559Gln)

Gene: RP1 (RP1 axonemal microtubule associated; plus strand). Cytogenetic location: 8q12.1.
Variant type: single nucleotide variant.
Coding change: c.1675G>C on transcript NM_006269.2 (MANE Select); coding-DNA position 1675, G replaced by C.
Protein change: p.Glu559Gln; replaces glutamic acid 559 with glutamine.
Molecular consequence: missense variant. On other transcripts: intron variant (1).
Genome position (GRCh38, 1-based): chr8:54,625,557, G>C. VCF-style: chr8-54625557-G-C. GRCh37 (hg19) VCF-style: chr8-55538117-G-C.
Other names: c.787+3269G>C (NM_001375654.1); short protein forms E559Q.
Identifiers: ClinVar variation 4990792 (VCV004990792.1).